The following is an entry in ClinVar:

NM_015046.7(SETX):c.6842+3G>A

Gene: SETX (senataxin; minus strand). Cytogenetic location: 9q34.13.
Variant type: single nucleotide variant.
Coding change: c.6842+3G>A on transcript NM_015046.7 (MANE Select); 3 bases into the intron after coding-DNA position 6842, G replaced by A.
Molecular consequence: intron variant.
Genome position (GRCh38, 1-based): chr9:132,278,067, C>T on the plus strand (G>A on the coding strand, the complement: SETX is on the minus strand). VCF-style: chr9-132278067-C-T. GRCh37 (hg19) VCF-style: chr9-135153454-C-T.
Other names: c.6842+3G>A (NM_001351528.2, NM_001351527.2).
Identifiers: ClinVar variation 3027090 (VCV003027090.22), dbSNP rs1843268894, ClinGen allele CA2740092908.

ClinVar aggregate classification (germline): Uncertain significance (1 of 4 stars; one submission).

Submission:

CeGaT Center for Human Genetics Tuebingen
Classification: Uncertain significance. Last evaluated: 2024-02-01. Review status: criteria provided, single submitter. Criteria: CeGaT Center For Human Genetics Tuebingen Variant Classification Criteria Version 2. Collection method: clinical testing. Allele origin: germline. Affected: yes. Observed: 1 variant allele.
Comment: SETX: PM2, BP4